The following is an entry in ClinVar:

NM_000548.5(TSC2):c.602T>C (p.Met201Thr)

Gene: TSC2 (TSC complex subunit 2; plus strand). Cytogenetic location: 16p13.3.
Variant type: single nucleotide variant.
Coding change: c.602T>C on transcript NM_000548.5 (MANE Select); coding-DNA position 602, T replaced by C.
Protein change: p.Met201Thr; replaces methionine 201 with threonine.
Molecular consequence: missense variant. On other transcripts: initiator codon variant (1).
Genome position (GRCh38, 1-based): chr16:2,056,198, T>C. VCF-style: chr16-2056198-T-C. GRCh37 (hg19) VCF-style: chr16-2106199-T-C.
Other names: c.602T>C, p.Met201Thr (NM_001077183.3, NM_001114382.3, NM_001363528.2 and 3 more transcripts); c.491T>C, p.Met164Thr (NM_001318827.2); c.455T>C, p.Met152Thr (NM_001318829.2); c.2T>C, p.Met1Thr (NM_001318831.2); c.635T>C, p.Met212Thr (NM_001318832.2); short protein forms M152T, M164T, M1T, M201T, M212T.
Identifiers: ClinVar variation 1426403 (VCV001426403.11), dbSNP rs2151070731, ClinGen allele CA394310614.

ClinVar aggregate classification (germline): Uncertain significance. Review status: criteria provided, multiple submitters, no conflicts (2 of 4 stars). 2 submissions from 2 submitters: Uncertain significance (2). Last evaluated 2025-02-27.

Conditions:
Hereditary cancer-predisposing syndrome. Also called: Hereditary neoplastic syndrome; Tumor predisposition; Hereditary Cancer Syndrome; Neoplastic Syndromes, Hereditary. Identifiers: Orphanet 140162, MedGen C0027672, MeSH D009386, MONDO:0015356.
Tuberous sclerosis 2 (TSC2). Identifiers: Orphanet 805, MedGen C1860707, MONDO:0013199, OMIM 613254.

Submissions (2):

Ambry Genetics
Classification: Uncertain significance for Hereditary cancer-predisposing syndrome. Last evaluated: 2025-02-27. Review status: criteria provided, single submitter. Criteria: Ambry Variant Classification Scheme 2023. Collection method: clinical testing. Allele origin: germline.
Comment: The p.M201T variant (also known as c.602T>C), located in coding exon 6 of the TSC2 gene, results from a T to C substitution at nucleotide position 602. The methionine at codon 201 is replaced by threonine, an amino acid with similar properties. This amino acid position is not well conserved in available vertebrate species. In addition, the in silico prediction for this alteration is inconclusive. Based on the available evidence, the clinical significance of this variant remains unclear.

Labcorp Genetics (formerly Invitae), Labcorp
Classification: Uncertain significance for Tuberous sclerosis 2. Last evaluated: 2020-11-27. Review status: criteria provided, single submitter. Criteria: Invitae Variant Classification Sherloc (09022015). Collection method: clinical testing. Allele origin: germline.
Comment: In summary, the available evidence is currently insufficient to determine the role of this variant in disease. Therefore, it has been classified as a Variant of Uncertain Significance. Algorithms developed to predict the effect of missense changes on protein structure and function (SIFT, PolyPhen-2, Align-GVGD) all suggest that this variant is likely to be tolerated, but these predictions have not been confirmed by published functional studies and their clinical significance is uncertain. This variant has not been reported in the literature in individuals with TSC2-related conditions. This variant is not present in population databases (ExAC no frequency). This sequence change replaces methionine with threonine at codon 201 of the TSC2 protein (p.Met201Thr). The methionine residue is moderately conserved and there is a moderate physicochemical difference between methionine and threonine.